The following is an entry in ClinVar:

NM_015662.3(IFT172):c.149G>A (p.Arg50Lys)

Gene: IFT172 (intraflagellar transport 172; minus strand). Cytogenetic location: 2p23.3.
Variant type: single nucleotide variant.
Coding change: c.149G>A on transcript NM_015662.3 (MANE Select); coding-DNA position 149, G replaced by A.
Protein change: p.Arg50Lys; replaces arginine 50 with lysine.
Molecular consequence: missense variant.
Genome position (GRCh38, 1-based): chr2:27,485,394, C>T on the plus strand (G>A on the coding strand, the complement: IFT172 is on the minus strand). VCF-style: chr2-27485394-C-T. GRCh37 (hg19) VCF-style: chr2-27708261-C-T.
Other names: c.149G>A, p.Arg50Lys (NM_001410739.1); short protein forms R50K.
Identifiers: ClinVar variation 4982860 (VCV004982860.1).

ClinVar aggregate classification (germline): Uncertain significance (1 of 4 stars; one submission).

Conditions:
IFT172-related disorder. Also called: IFT172-related disorders; IFT172-related condition.

gnomAD v4.1: 3 of 1,614,044 alleles (0.00019%); highest among the groups gnomAD compares: African/African-American, 0.004%; no homozygotes.

Submission:

PreventionGenetics, part of Exact Sciences
Classification: Uncertain significance for IFT172-related condition. Last evaluated: 2026-04-08. Review status: criteria provided, single submitter. Criteria: ACMG Guidelines, 2015. Collection method: clinical testing. Allele origin: germline.
Comment: The IFT172 c.149G>A variant is predicted to result in the amino acid substitution p.Arg50Lys. To our knowledge, this variant has not been reported in the literature. This variant is reported in 0.011% of alleles in individuals of African descent in gnomAD. At this time, the clinical significance of this variant is uncertain due to the absence of conclusive functional and genetic evidence.